The following is an entry in ClinVar:

ClinVar aggregate classification (germline): Uncertain significance (1 of 4 stars; one submission).

Allele frequency attached by ClinVar (database versions not stated): gnomAD 0.00001; TOPMed 0.00001.
gnomAD v4.1: 10 of 1,613,910 alleles (0.00062%); highest among the groups gnomAD compares: Non-Finnish European, 0.00076%; no homozygotes.

Submission:

Labcorp Genetics (formerly Invitae), Labcorp
Classification: Uncertain significance. Last evaluated: 2022-10-01. Review status: criteria provided, single submitter. Criteria: Invitae Variant Classification Sherloc (09022015). Collection method: clinical testing. Allele origin: germline.
Comment: In summary, the available evidence is currently insufficient to determine the role of this variant in disease. Therefore, it has been classified as a Variant of Uncertain Significance. Algorithms developed to predict the effect of missense changes on protein structure and function are either unavailable or do not agree on the potential impact of this missense change (SIFT: "Not Available"; PolyPhen-2: "Probably Damaging"; Align-GVGD: "Not Available"). This variant has not been reported in the literature in individuals affected with EGF-related conditions. This variant is not present in population databases (gnomAD no frequency). This sequence change replaces aspartic acid, which is acidic and polar, with alanine, which is neutral and non-polar, at codon 695 of the EGF protein (p.Asp695Ala).

NM_001963.6(EGF):c.2084A>C (p.Asp695Ala)

Genes: EGF (epidermal growth factor; plus strand), LOC126807134 (BRD4-independent group 4 enhancer GRCh37_chr4:110900995-110902194; plus strand). Cytogenetic location: 4q25.
Variant type: single nucleotide variant.
Coding change: c.2084A>C on transcript NM_001963.6 (MANE Select); coding-DNA position 2084, A replaced by C.
Protein change: p.Asp695Ala; replaces aspartic acid 695 with alanine.
Molecular consequence: missense variant.
Genome position (GRCh38, 1-based): chr4:109,980,002, A>C. VCF-style: chr4-109980002-A-C. GRCh37 (hg19) VCF-style: chr4-110901158-A-C.
Other names: c.2084A>C, p.Asp695Ala (NM_001178130.3); c.1958A>C, p.Asp653Ala (NM_001178131.3, NM_001357021.2); short protein forms D695A, D653A.
Identifiers: ClinVar variation 2118987 (VCV002118987.4), dbSNP rs1006719043, ClinGen allele CA103739428.
Genomic context (GRCh38, chr4:109,980,002, plus strand): 5'-GTGTATTTAACAAACTTGAATTGTTTCCAGGTCACCCATTTGCTGTAGCAGTGTTTGAGG[A>C]TTATGTGTGGTTCTCAGATTGGGCTATGCCATCAGTAATGAGAGTAAACAAGAGGACTGG-3'
Protein context (NP_001954.2, residues 685-705): GHPFAVAVFE[Asp695Ala]YVWFSDWAMP